The following is an entry in ClinVar:

NM_006005.3(WFS1):c.654C>T (p.Pro218=)

Gene: WFS1 (wolframin ER transmembrane glycoprotein; plus strand). Cytogenetic location: 4p16.1.
Variant type: single nucleotide variant.
Coding change: c.654C>T on transcript NM_006005.3 (MANE Select); coding-DNA position 654, C replaced by T.
Protein change: p.Pro218=; no amino-acid change (proline 218 retained).
Molecular consequence: synonymous variant.
Genome position (GRCh38, 1-based): chr4:6,291,939, C>T. VCF-style: chr4-6291939-C-T. GRCh37 (hg19) VCF-style: chr4-6293666-C-T.
Other names: c.654C>T, p.Pro218= (NM_001145853.1).
Identifiers: ClinVar variation 179147 (VCV000179147.20), dbSNP rs727504666, ClinGen allele CA183810.

ClinVar aggregate classification (germline): Conflicting classifications of pathogenicity. Review status: criteria provided, conflicting classifications (1 of 4 stars). 7 submissions from 6 submitters: Uncertain significance (2); Benign (1); Likely benign (3). 1 of the submissions does not count toward it. Last evaluated 2025-11-03.

Conditions:
Wolfram syndrome 1 (WFS1). Identifiers: Orphanet 3463, MedGen C4551693, MONDO:0009101, OMIM 222300.
WFS1-related disorder. Identifiers: MedGen CN379391, MONDO:0700293.
WFS1-Related Spectrum Disorders.
Autosomal dominant nonsyndromic hearing loss 6 (LFSNHL). Also called: DEAFNESS, AUTOSOMAL DOMINANT 14; DEAFNESS, AUTOSOMAL DOMINANT 38; Autosomal dominant nonsyndromic deafness 6; DEAFNESS, AUTOSOMAL DOMINANT 6. Identifiers: Orphanet 90635, MedGen C1833021, MONDO:0010963, OMIM 600965.

Allele frequency attached by ClinVar (database versions not stated): gnomAD below 0.00001 and 0.00003; TOPMed 0.00001; gnomAD exomes 0.00003; ExAC 0.00004.
gnomAD v4.1: 51 of 1,611,090 alleles (0.0032%); highest among the groups gnomAD compares: South Asian, 0.03%; 1 homozygote.

Submissions (7):

Labcorp Genetics (formerly Invitae), Labcorp
Classification: Likely benign. Last evaluated: 2025-11-03. Review status: criteria provided, single submitter. Criteria: Invitae Variant Classification Sherloc (09022015). Collection method: clinical testing. Allele origin: germline.

Blueprint Genetics
Classification: Likely benign. Last evaluated: 2024-05-28. Review status: criteria provided, single submitter. Criteria: ACMG Guidelines, 2015. Collection method: clinical testing. Allele origin: germline.

Illumina Laboratory Services, Illumina
Classification: Uncertain significance for Autosomal dominant nonsyndromic hearing loss 6. Last evaluated: 2017-04-27. Review status: criteria provided, single submitter. Criteria: ICSL Variant Classification Criteria 13 December 2019. Collection method: clinical testing. Allele origin: germline.

Illumina Laboratory Services, Illumina
Classification: Uncertain significance for WFS1-Related Spectrum Disorders. Last evaluated: 2017-04-27. Review status: criteria provided, single submitter. Criteria: ICSL Variant Classification Criteria 13 December 2019. Collection method: clinical testing. Allele origin: germline.

Laboratory for Molecular Medicine, Mass General Brigham Personalized Medicine
Classification: Likely benign. Last evaluated: 2013-08-29. Review status: criteria provided, single submitter. Criteria: LMM Criteria. Collection method: clinical testing. Allele origin: germline. Observed: 1 variant allele.
Comment: Pro218Pro in Exon 6 of WFS1: This variant is not expected to have clinical signi ficance because it does not alter an amino acid residue and is not located withi n the splice consensus sequence.

Clinical Genomics, Uppaluri K&H Personalized Medicine Clinic
Classification: Benign for Wolfram syndrome 1. Review status: criteria provided, single submitter. Criteria: K & H Uppaluri Personalized Medicine Clinic Variant Classification & Assertion Criteria_Updated V.1. Collection method: research. Allele origin: unknown. Inheritance: Autosomal recessive inheritance.
Comment: Potent mutations in WFS1 gene are associated with Wolfram's syndrome, an autosomal recessive condition, which cause diabetes mellitus, diabetes insipidus, deafness and optic atrophy. However no sufficient evidence is found to ascertain the role of this particular variant rs727504666 in Wolfram's syndrome yet.

PreventionGenetics, part of Exact Sciences
Classification: Likely benign for WFS1-related condition. Last evaluated: 2019-07-17. Review status: no assertion criteria provided. Collection method: clinical testing. Allele origin: germline. Not counted in ClinVar's aggregate classification.
Comment: This variant is classified as likely benign based on ACMG/AMP sequence variant interpretation guidelines (Richards et al. 2015 PMID: 25741868, with internal and published modifications).

Literature cited by the submitters: PubMed 20738327 (cited by Clinical Genomics, Uppaluri K&H Personalized Medicine Clinic); PubMed 33879153 (cited by Clinical Genomics, Uppaluri K&H Personalized Medicine Clinic); PubMed 12955714 (cited by Clinical Genomics, Uppaluri K&H Personalized Medicine Clinic); PubMed 18060660 (cited by Clinical Genomics, Uppaluri K&H Personalized Medicine Clinic); PubMed 20301750 (cited by Clinical Genomics, Uppaluri K&H Personalized Medicine Clinic); PubMed 17603484 (cited by Clinical Genomics, Uppaluri K&H Personalized Medicine Clinic).